The following is an entry in ClinVar:

ClinVar aggregate classification (germline): Conflicting classifications of pathogenicity. Review status: criteria provided, conflicting classifications (1 of 4 stars). 3 submissions from 3 submitters: Likely pathogenic (1); Uncertain significance (2). Last evaluated 2026-02-05.

Conditions:
Dyskeratosis congenita. Identifiers: Orphanet 1775, MedGen C0265965, MONDO:0015780.
Idiopathic Pulmonary Fibrosis. Also called: Idiopathic fibrosing alveolitis, chronic form; idiopathic fibrosing alveolitis. Identifiers: Orphanet 2032, MedGen C1800706, MeSH D054990, MONDO:0800504.
Dyskeratosis congenita, autosomal dominant 2. Identifiers: MedGen C3151443, MONDO:0013521, OMIM 613989.

Submissions (3):

Ambry Genetics
Classification: Uncertain significance for Dyskeratosis congenita. Last evaluated: 2026-02-05. Review status: criteria provided, single submitter. Criteria: Ambry Variant Classification Scheme 2023. Collection method: clinical testing. Allele origin: germline.
Comment: The p.R120P variant (also known as c.359G>C), located in coding exon 2 of the TERT gene, results from a G to C substitution at nucleotide position 359. The arginine at codon 120 is replaced by proline, an amino acid with dissimilar properties. This amino acid position is poorly conserved in available vertebrate species. In addition, this alteration is predicted to be deleterious by in silico analysis. Based on the available evidence, the clinical significance of this variant remains unclear.

Labcorp Genetics (formerly Invitae), Labcorp
Classification: Likely pathogenic for Dyskeratosis congenita, autosomal dominant 2; Idiopathic Pulmonary Fibrosis. Last evaluated: 2025-11-27. Review status: criteria provided, single submitter. Criteria: Invitae Variant Classification Sherloc (09022015). Collection method: clinical testing. Allele origin: germline.
Comment: This sequence change replaces arginine, which is basic and polar, with proline, which is neutral and non-polar, at codon 120 of the TERT protein (p.Arg120Pro). This variant is not present in population databases (gnomAD no frequency). This missense change has been observed in individual(s) with TERT-related conditions (internal data). It has also been observed to segregate with disease in related individuals. ClinVar contains an entry for this variant (Variation ID: 440331). Invitae Evidence Modeling of protein sequence and biophysical properties (such as structural, functional, and spatial information, amino acid conservation, physicochemical variation, residue mobility, and thermodynamic stability) indicates that this missense variant is expected to disrupt TERT protein function with a positive predictive value of 95%. In summary, the currently available evidence indicates that the variant is pathogenic, but additional data are needed to prove that conclusively. Therefore, this variant has been classified as Likely Pathogenic.

ARUP Laboratories, Molecular Genetics and Genomics, ARUP Laboratories
Classification: Uncertain significance. Last evaluated: 2016-10-10. Review status: criteria provided, single submitter. Criteria: ARUP Molecular Germline Variant Investigation Process. Collection method: clinical testing. Allele origin: germline.

NM_198253.3(TERT):c.359G>C (p.Arg120Pro)

Gene: TERT (telomerase reverse transcriptase; minus strand). Cytogenetic location: 5p15.33.
Variant type: single nucleotide variant.
Coding change: c.359G>C on transcript NM_198253.3 (MANE Select); coding-DNA position 359, G replaced by C.
Protein change: p.Arg120Pro; replaces arginine 120 with proline.
Molecular consequence: missense variant. On other transcripts: non-coding transcript variant (2).
Genome position (GRCh38, 1-based): chr5:1,294,527, C>G on the plus strand (G>C on the coding strand, the complement: TERT is on the minus strand). VCF-style: chr5-1294527-C-G. GRCh37 (hg19) VCF-style: chr5-1294642-C-G.
Other names: c.359G>C, p.Arg120Pro (NM_001193376.3); short protein forms R120P.
Identifiers: ClinVar variation 440331 (VCV000440331.13), dbSNP rs1554043083, ClinGen allele CA359058195.